The following is an entry in ClinVar:

ClinVar aggregate classification (germline): Uncertain significance (1 of 4 stars; one submission).

Allele frequency attached by ClinVar (database versions not stated): TOPMed below 0.00001; gnomAD exomes below 0.00001.
gnomAD v4.1: 2 of 1,614,224 alleles (0.00012%); highest among the groups gnomAD compares: Non-Finnish European, 0.00017%; no homozygotes.

Submission:

Labcorp Genetics (formerly Invitae), Labcorp
Classification: Uncertain significance. Last evaluated: 2024-10-01. Review status: criteria provided, single submitter. Criteria: Invitae Variant Classification Sherloc (09022015). Collection method: clinical testing. Allele origin: germline.
Comment: This sequence change replaces isoleucine, which is neutral and non-polar, with threonine, which is neutral and polar, at codon 429 of the FBLN5 protein (p.Ile429Thr). This variant is not present in population databases (gnomAD no frequency). This variant has not been reported in the literature in individuals affected with FBLN5-related conditions. ClinVar contains an entry for this variant (Variation ID: 1373685). Invitae Evidence Modeling of protein sequence and biophysical properties (such as structural, functional, and spatial information, amino acid conservation, physicochemical variation, residue mobility, and thermodynamic stability) indicates that this missense variant is not expected to disrupt FBLN5 protein function with a negative predictive value of 80%. In summary, the available evidence is currently insufficient to determine the role of this variant in disease. Therefore, it has been classified as a Variant of Uncertain Significance.

NM_006329.4(FBLN5):c.1286T>C (p.Ile429Thr)

Gene: FBLN5 (fibulin 5; minus strand). Cytogenetic location: 14q32.12.
Variant type: single nucleotide variant.
Coding change: c.1286T>C on transcript NM_006329.4 (MANE Select); coding-DNA position 1286, T replaced by C.
Protein change: p.Ile429Thr; replaces isoleucine 429 with threonine.
Molecular consequence: missense variant. On other transcripts: 3 prime UTR variant (2).
Genome position (GRCh38, 1-based): chr14:91,870,285, A>G on the plus strand (T>C on the coding strand, the complement: FBLN5 is on the minus strand). VCF-style: chr14-91870285-A-G. GRCh37 (hg19) VCF-style: chr14-92336629-A-G.
Other names: c.1409T>C, p.Ile470Thr (NM_001384158.1); c.1337T>C, p.Ile446Thr (NM_001384159.1); c.*70T>C (NM_001384160.1, NM_001384161.1); c.1118T>C, p.Ile373Thr (NM_001384162.1); short protein forms I446T, I470T, I373T, I429T.
Identifiers: ClinVar variation 1373685 (VCV001373685.6), dbSNP rs1888858281, ClinGen allele CA390639156.